The following is an entry in ClinVar:

NM_001930.4(DHPS):c.126C>G (p.Tyr42Ter)

Genes: DHPS (deoxyhypusine synthase; minus strand), LOC112543448 (CRISPRi-FlowFISH-validated WDR83OS regulatory elements; plus strand). Cytogenetic location: 19p13.13.
Variant type: single nucleotide variant.
Coding change: c.126C>G on transcript NM_001930.4 (MANE Select); coding-DNA position 126, C replaced by G.
Protein change: p.Tyr42Ter; replaces tyrosine 42 with a stop codon.
Molecular consequence: nonsense. On other transcripts: 5 prime UTR variant (1), non-coding transcript variant (3).
Genome position (GRCh38, 1-based): chr19:12,681,641, G>C on the plus strand (C>G on the coding strand, the complement: DHPS is on the minus strand). VCF-style: chr19-12681641-G-C. GRCh37 (hg19) VCF-style: chr19-12792455-G-C.
Other names: c.126C>G, p.Tyr42Ter (NM_001369691.1, NM_001369692.1, NM_013406.3 and 1 more transcripts); c.-389C>G (NM_001369693.1); short protein forms Y42*.
Identifiers: ClinVar variation 3233899 (VCV003233899.2), dbSNP rs2512564122, ClinGen allele CA404282927.

ClinVar aggregate classification (germline): Uncertain significance (1 of 4 stars; one submission).

Submission:

Women's Health and Genetics/Laboratory Corporation of America, LabCorp
Classification: Uncertain significance. Last evaluated: 2024-03-18. Review status: criteria provided, single submitter. Criteria: LabCorp Variant Classification Summary - May 2015. Collection method: clinical testing. Allele origin: germline.
Comment: Variant summary: DHPS c.126C>G (p.Tyr42X) results in a premature termination codon, predicted to cause absence of the protein due to nonsense mediated decay, however current evidence is not sufficient to establish loss-of-function variants in DHPS as causative of disease. The variant was absent in 251308 control chromosomes (gnomAD). The available data on variant occurrences in the general population are insufficient to allow any conclusion about variant significance. To our knowledge, no occurrence of c.126C>G in individuals affected with Neurodevelopmental Disorder With Seizures And Speech And Walking Impairment and no experimental evidence demonstrating its impact on protein function have been reported. No submitters have cited clinical-significance assessments for this variant to ClinVar. Based on the evidence outlined above, the variant was classified as uncertain significance.